The following is an entry in ClinVar:

ClinVar aggregate classification (germline): Pathogenic (1 of 4 stars; one submission).

Conditions:
Hereditary antithrombin deficiency (AT3D). Also called: Reduced antithrombin III activity; Antithrombin III deficiency; Thrombophilia due to antithrombin III deficiency; Antithrombin deficiency. Identifiers: Orphanet 82, MedGen C0272375, MONDO:0013144, OMIM 613118, HP:0001976.

Submission:

Labcorp Genetics (formerly Invitae), Labcorp
Classification: Pathogenic for Hereditary antithrombin deficiency. Last evaluated: 2023-03-03. Review status: criteria provided, single submitter. Criteria: Invitae Variant Classification Sherloc (09022015). Collection method: clinical testing. Allele origin: unknown.
Comment: For these reasons, this variant has been classified as Pathogenic. This variant is a gross deletion of the genomic region encompassing exon(s) 1-3 of the SERPINC1 gene, which includes the initiator codon. This deletion extends beyond the assayed region for this gene and therefore may encompass additional genes. It is expected to result in an absent or disrupted protein product. Loss-of-function variants in SERPINC1 are known to be pathogenic (PMID: 21264449). A similar copy number variant has been observed in individual(s) with features consistent with antithrombin III deficiency (PMID: 29153735, 31064749).

Literature cited by the submitters: PubMed 21264449; PubMed 29153735; PubMed 31064749.

NC_000001.10:g.(?_173880917)_(173886568_?)del

Gene: SERPINC1 (serpin family C member 1; minus strand). Cytogenetic location: 1q25.1.
Variant type: Deletion.
Identifiers: ClinVar variation 3247684 (VCV003247684.1).